The following is an entry in ClinVar:

NM_024312.5(GNPTAB):c.136C>A (p.Arg46=)

Gene: GNPTAB (N-acetylglucosamine-1-phosphate transferase subunits alpha and beta; minus strand). Cytogenetic location: 12q23.2.
Variant type: single nucleotide variant.
Coding change: c.136C>A on transcript NM_024312.5 (MANE Select); coding-DNA position 136, C replaced by A.
Protein change: p.Arg46=; no amino-acid change (arginine 46 retained).
Molecular consequence: synonymous variant.
Genome position (GRCh38, 1-based): chr12:101,796,744, G>T on the plus strand (C>A on the coding strand, the complement: GNPTAB is on the minus strand). VCF-style: chr12-101796744-G-T. GRCh37 (hg19) VCF-style: chr12-102190522-G-T.
Other names: p.Arg46=.
Identifiers: ClinVar variation 235510 (VCV000235510.24), dbSNP rs78347057, ClinGen allele CA6746987.

ClinVar aggregate classification (germline): Benign/Likely benign. Review status: criteria provided, multiple submitters, no conflicts (2 of 4 stars). 8 submissions from 7 submitters: Benign (2); Likely benign (5). 1 of the submissions does not count toward it. Last evaluated 2026-02-04.

Conditions:
Mucolipidosis type II. Also called: ML II ALPHA/BETA; Mucolipidosis 2; ML 2; Inclusion cell disease; Leroy Disease; N-acetylglucosamine 1phosphotransferase deficiency. Identifiers: Orphanet 576, MedGen C2673377, MONDO:0009650, OMIM 252500.
Pseudo-Hurler polydystrophy. Also called: MUCOLIPIDOSIS IIIA; Type III Mucolipidosis; ML III; ML III ALPHA/BETA; ML IIIA; Mucolipidosis III Alpha/Beta. Identifiers: Orphanet 423461, Orphanet 577, MedGen C0033788, MONDO:0018931, OMIM 252600.

Allele frequency attached by ClinVar (database versions not stated): TOPMed 0.01080; gnomAD 0.01017 and 0.00950; 1000 Genomes Project 30x 0.01062; ESP Exome Variant Server 0.01115; 1000 Genomes Project 0.01098.
gnomAD v4.1: 2,754 of 1,611,930 alleles (0.17%); highest among the groups gnomAD compares: African/African-American, 3.2%; 45 homozygotes.

Submissions (8):

Labcorp Genetics (formerly Invitae), Labcorp
Classification: Benign for Pseudo-Hurler polydystrophy; Mucolipidosis type II. Last evaluated: 2026-02-04. Review status: criteria provided, single submitter. Criteria: Invitae Variant Classification Sherloc (09022015). Collection method: clinical testing. Allele origin: germline.

Mayo Clinic Laboratories, Mayo Clinic
Classification: Benign. Last evaluated: 2022-11-21. Review status: criteria provided, single submitter. Criteria: ACMG Guidelines, 2015. Collection method: clinical testing. Allele origin: germline. Observed: 11 variant alleles.
Comment: BA1, BP4, BP7

GeneDx
Classification: Likely benign. Last evaluated: 2020-02-01. Review status: criteria provided, single submitter. Criteria: GeneDx Variant Classification Process June 2021. Collection method: clinical testing. Allele origin: germline. Affected: yes.

Illumina Laboratory Services, Illumina
Classification: Likely benign for Mucolipidosis type II. Last evaluated: 2017-04-28. Review status: criteria provided, single submitter. Criteria: ICSL Variant Classification Criteria 13 December 2019. Collection method: clinical testing. Allele origin: germline.
Comment: This variant was observed as part of a predisposition screen in an ostensibly healthy population. A literature search was performed for the gene, cDNA change, and amino acid change (where applicable). No publications were found based on this search. Allele frequency data from public databases allowed determination this variant is unlikely to cause disease. Therefore, this variant is classified as likely benign.

Illumina Laboratory Services, Illumina
Classification: Likely benign for Pseudo-Hurler polydystrophy. Last evaluated: 2017-04-28. Review status: criteria provided, single submitter. Criteria: ICSL Variant Classification Criteria 13 December 2019. Collection method: clinical testing. Allele origin: germline.
Comment: the same text as in the submission from Illumina Laboratory Services, Illumina above.

Center for Pediatric Genomic Medicine, Children's Mercy Hospital and Clinics
Classification: Likely benign. Last evaluated: 2015-08-26. Review status: criteria provided, single submitter. Criteria: ACMG Guidelines, 2015. Collection method: clinical testing. Allele origin: germline.
ClinVar note: Converted during submission from Likely Benign to Likely benign.

Breakthrough Genomics
Classification: Likely benign. Review status: criteria provided, single submitter. Criteria: ACMG Guidelines, 2015. Collection method: not provided. Allele origin: germline. Inheritance: Autosomal recessive inheritance. Affected: yes.

Natera, Inc.
Classification: Benign for Mucolipidosis type II. Last evaluated: 2019-12-04. Review status: no assertion criteria provided. Collection method: clinical testing. Allele origin: germline. Not counted in ClinVar's aggregate classification.